The following is an entry in ClinVar:

ClinVar aggregate classification (germline): Uncertain significance. Review status: criteria provided, multiple submitters, no conflicts (2 of 4 stars). 2 submissions from 2 submitters: Uncertain significance (2). Last evaluated 2024-04-08.

Conditions:
Nephrotic syndrome, type 6 (NPHS6). Identifiers: Orphanet 656, MedGen C3280100, MONDO:0013619, OMIM 614196.

Allele frequency attached by ClinVar (database versions not stated): gnomAD exomes 0.00007; TOPMed 0.00011; ExAC 0.00012; gnomAD 0.00013; 1000 Genomes Project 30x 0.00016; 1000 Genomes Project 0.00020; ESP Exome Variant Server 0.00023.
gnomAD v4.1: 135 of 1,613,928 alleles (0.0084%); highest among the groups gnomAD compares: Middle Eastern, 0.033%; no homozygotes.

Submissions (2):

Fulgent Genetics
Classification: Uncertain significance for Nephrotic syndrome, type 6. Last evaluated: 2024-04-08. Review status: criteria provided, single submitter. Criteria: ACMG Guidelines, 2015. Collection method: clinical testing. Allele origin: germline.

Labcorp Genetics (formerly Invitae), Labcorp
Classification: Uncertain significance. Last evaluated: 2022-06-09. Review status: criteria provided, single submitter. Criteria: Invitae Variant Classification Sherloc (09022015). Collection method: clinical testing. Allele origin: germline.
Comment: This sequence change replaces valine, which is neutral and non-polar, with alanine, which is neutral and non-polar, at codon 230 of the PTPRO protein (p.Val230Ala). This variant is present in population databases (rs200031739, gnomAD 0.1%). This variant has not been reported in the literature in individuals affected with PTPRO-related conditions. Algorithms developed to predict the effect of missense changes on protein structure and function are either unavailable or do not agree on the potential impact of this missense change (SIFT: "Deleterious"; PolyPhen-2: "Benign"; Align-GVGD: "Class C55"). In summary, the available evidence is currently insufficient to determine the role of this variant in disease. Therefore, it has been classified as a Variant of Uncertain Significance.

NM_030667.3(PTPRO):c.689T>C (p.Val230Ala)

Gene: PTPRO (protein tyrosine phosphatase receptor type O; plus strand). Cytogenetic location: 12p12.3.
Variant type: single nucleotide variant.
Coding change: c.689T>C on transcript NM_030667.3 (MANE Select); coding-DNA position 689, T replaced by C.
Protein change: p.Val230Ala; replaces valine 230 with alanine.
Molecular consequence: missense variant.
Genome position (GRCh38, 1-based): chr12:15,501,647, T>C. VCF-style: chr12-15501647-T-C. GRCh37 (hg19) VCF-style: chr12-15654581-T-C.
Other names: c.689T>C, p.Val230Ala (NM_002848.4); short protein forms V230A.
Identifiers: ClinVar variation 2169865 (VCV002169865.2), dbSNP rs200031739, ClinGen allele CA6466352.